The following is an entry in ClinVar:

ClinVar aggregate classification (germline): Conflicting classifications of pathogenicity. Review status: criteria provided, conflicting classifications (1 of 4 stars). 2 submissions from 2 submitters: Pathogenic (1); Uncertain significance (1). Last evaluated 2024-10-08.

Conditions:
Primary ciliary dyskinesia. Also called: Ciliary dyskinesia. Identifiers: Orphanet 244, MedGen C0008780, MONDO:0016575, HP:0012265.

Allele frequency attached by ClinVar (database versions not stated): gnomAD 0.00001; gnomAD exomes 0.00001; TOPMed 0.00001.
gnomAD v4.1: 4 of 1,614,028 alleles (0.00025%); highest among the groups gnomAD compares: African/African-American, 0.0013%; no homozygotes.

Submissions (2):

Labcorp Genetics (formerly Invitae), Labcorp
Classification: Pathogenic for Primary ciliary dyskinesia. Last evaluated: 2024-10-08. Review status: criteria provided, single submitter. Criteria: Invitae Variant Classification Sherloc (09022015). Collection method: clinical testing. Allele origin: germline.
Comment: This sequence change replaces glycine, which is neutral and non-polar, with arginine, which is basic and polar, at codon 1998 of the DNAH5 protein (p.Gly1998Arg). This variant is present in population databases (no rsID available, gnomAD 0.004%). This missense change has been observed in individual(s) with primary ciliary dyskinesia (PMID: 31638833; internal data). In at least one individual the data is consistent with being in trans (on the opposite chromosome) from a pathogenic variant. ClinVar contains an entry for this variant (Variation ID: 570323). Invitae Evidence Modeling of protein sequence and biophysical properties (such as structural, functional, and spatial information, amino acid conservation, physicochemical variation, residue mobility, and thermodynamic stability) has been performed for this missense variant. However, the output from this modeling did not meet the statistical confidence thresholds required to predict the impact of this variant on DNAH5 protein function. For these reasons, this variant has been classified as Pathogenic.

Ambry Genetics
Classification: Uncertain significance for Primary ciliary dyskinesia. Last evaluated: 2017-02-07. Review status: criteria provided, single submitter. Criteria: Ambry Variant Classification Scheme 2023. Collection method: clinical testing. Allele origin: germline.
Comment: The p.G1998R variant (also known as c.5992G>A), located in coding exon 36 of the DNAH5 gene, results from a G to A substitution at nucleotide position 5992. The glycine at codon 1998 is replaced by arginine, an amino acid with dissimilar properties. This amino acid position is highly conserved in available vertebrate species. In addition, this alteration is predicted to be deleterious by in silico analysis. Since supporting evidence is limited at this time, the clinical significance of this alteration remains unclear.

Literature cited by the submitters: PubMed 31638833 (cited by Labcorp Genetics (formerly Invitae), Labcorp).

NM_001369.3(DNAH5):c.5992G>A (p.Gly1998Arg)

Gene: DNAH5 (dynein axonemal heavy chain 5; minus strand). Cytogenetic location: 5p15.2.
Variant type: single nucleotide variant.
Coding change: c.5992G>A on transcript NM_001369.3 (MANE Select); coding-DNA position 5992, G replaced by A.
Protein change: p.Gly1998Arg; replaces glycine 1998 with arginine.
Molecular consequence: missense variant.
Genome position (GRCh38, 1-based): chr5:13,830,666, C>T on the plus strand (G>A on the coding strand, the complement: DNAH5 is on the minus strand). VCF-style: chr5-13830666-C-T. GRCh37 (hg19) VCF-style: chr5-13830775-C-T.
Other names: short protein forms G1998R.
Identifiers: ClinVar variation 570323 (VCV000570323.12), dbSNP rs1298790222, ClinGen allele CA359202599.
Genomic context (GRCh38, chr5:13,830,666, plus strand): 5'-TCCGTCCAAGTCCTCGGAAATCCATCTGGTCTGAACAATTGAAAACCACGACGTATTTCC[C>T]GAGGCATCGTCCCATGTCTTTAGTGGTTTCTGTTTTGCCTGTGCCTGCAGGTCCAGCAGG-3'
Protein context (NP_001360.1, residues 1988-2008): ETTKDMGRCL[Gly1998Arg]KYVVVFNCSD